The following is an entry in ClinVar:

NC_000023.10:g.(?_53222149)_(53622383_?)dup

Genes: HSD17B10 (hydroxysteroid 17-beta dehydrogenase 10; minus strand), HUWE1 (HECT, UBA and WWE domain containing E3 ubiquitin protein ligase 1; minus strand), IQSEC2 (IQ motif and Sec7 domain ArfGEF 2; minus strand), KDM5C (lysine demethylase 5C; minus strand), MIR98 (microRNA 98; minus strand) and 3 more. Cytogenetic location: Xp11.22.
Variant type: Duplication.
Identifiers: ClinVar variation 2423724 (VCV002423724.5).

ClinVar aggregate classification (germline): Uncertain significance (1 of 4 stars; one submission).

Conditions:
Intellectual developmental disorder, X-linked 1. Also called: Intellectual disability, X-linked 1; Atkin Flaitz Patil Smith syndrome; MENTAL RETARDATION, X-LINKED 18; MENTAL RETARDATION, X-LINKED 78. Identifiers: Orphanet 777, MedGen C2931498, MONDO:0010656, OMIM 309530.

Submission:

Labcorp Genetics (formerly Invitae), Labcorp
Classification: Uncertain significance for Intellectual developmental disorder, X-linked 1. Last evaluated: 2022-10-13. Review status: criteria provided, single submitter. Criteria: Invitae Variant Classification Sherloc (09022015). Collection method: clinical testing. Allele origin: germline.
Comment: A copy number gain of the genomic region encompassing the full coding sequence of the IQSEC2 gene has been identified. The boundaries of this event are unknown as they extend beyond the assayed region for this gene and therefore may encompass additional genes. As the precise location of this event is unknown, it may be in tandem or it may be located elsewhere in the genome. Isolated whole-gene copy number gains of IQSEC2 have not been reported in the literature. However, larger copy number events that include this gene have been reported (PMID: 26059843). Experimental studies and prediction algorithms are not available or were not evaluated, and the functional significance of this variant is currently unknown. In summary, the available evidence is currently insufficient to determine the role of this variant in disease. Therefore, it has been classified as a Variant of Uncertain Significance.

Literature cited by the submitters: PubMed 26059843.